The following is an entry in ClinVar:

ClinVar aggregate classification (germline): Conflicting classifications of pathogenicity. Review status: criteria provided, conflicting classifications (1 of 4 stars). 3 submissions from 3 submitters: Uncertain significance (2); Benign (1). Last evaluated 2023-08-29.

Conditions:
X-linked Opitz G/BBB syndrome (GBBB). Also called: OPITZ BBBG SYNDROME, TYPE I; OPITZ SYNDROME, X-LINKED; OPITZ-G SYNDROME, TYPE I; Opitz-Frias syndrome; MID1-Related Opitz G/BBB Syndrome. Identifiers: Orphanet 2745, MedGen C2936904, MONDO:0010222, OMIM 300000.
Inborn genetic diseases. Identifiers: MedGen C0950123, MeSH D030342.

Allele frequency attached by ClinVar (database versions not stated): ExAC 0.00001; gnomAD 0.00001 and 0.00002; gnomAD exomes 0.00001 and 0.00003; TOPMed 0.00002.
gnomAD v4.1: 10 of 1,210,031 alleles (0.00083%); highest among the groups gnomAD compares: African/African-American, 0.0035%; no homozygotes.

Submissions (3):

Labcorp Genetics (formerly Invitae), Labcorp
Classification: Benign. Last evaluated: 2023-08-29. Review status: criteria provided, single submitter. Criteria: Invitae Variant Classification Sherloc (09022015). Collection method: clinical testing. Allele origin: germline.

New York Genome Center
Classification: Uncertain significance for X-linked Opitz G/BBB syndrome. Last evaluated: 2019-07-18. Review status: criteria provided, single submitter. Criteria: NYGC Assertion Criteria 2020. Collection method: clinical testing. Allele origin: germline. Observed: 1 hemizygote. Study: CSER-NYCKidSeq.

Ambry Genetics
Classification: Uncertain significance for Inborn genetic diseases. Last evaluated: 2018-02-27. Review status: criteria provided, single submitter. Criteria: Ambry Variant Classification Scheme 2023. Collection method: clinical testing. Allele origin: germline.
Comment: The p.V427I variant (also known as c.1279G>A), located in coding exon 6 of the MID1 gene, results from a G to A substitution at nucleotide position 1279. The valine at codon 427 is replaced by isoleucine, an amino acid with highly similar properties. This amino acid position is highly conserved in available vertebrate species. In addition, this alteration is predicted to be tolerated by in silico analysis. Since supporting evidence is limited at this time, the clinical significance of this alteration remains unclear.

NM_000381.4(MID1):c.1279G>A (p.Val427Ile)

Gene: MID1 (midline 1; minus strand). Cytogenetic location: Xp22.2.
Variant type: single nucleotide variant.
Coding change: c.1279G>A on transcript NM_000381.4 (MANE Select); coding-DNA position 1279, G replaced by A.
Protein change: p.Val427Ile; replaces valine 427 with isoleucine.
Molecular consequence: missense variant.
Genome position (GRCh38, 1-based): chrX:10,469,703, C>T on the plus strand (G>A on the coding strand, the complement: MID1 is on the minus strand). VCF-style: chrX-10469703-C-T. GRCh37 (hg19) VCF-style: chrX-10437743-C-T.
Other names: c.1279G>A, p.Val427Ile (NM_001098624.2, NM_001193277.1, NM_001193279.1 and 2 more transcripts); c.1432G>A, p.Val478Ile (NM_001193278.1); c.1165G>A, p.Val389Ile (NM_001193280.1, NM_033289.2); short protein forms V389I, V427I, V478I.
Identifiers: ClinVar variation 992805 (VCV000992805.7), dbSNP rs755985917, ClinGen allele CA10347524.
Genomic context (GRCh38, chrX:10,469,703, plus strand): 5'-TCAATCTGAAGAAAGCCACCAAAGACAGAAATAAATAGGCCATGAGATACTCACTAACGA[C>T]GTTGGCTTGTCCGGTGAATATGGTGTACTGGAGCTCGTAGGAGACCACGCTGAACTCATC-3'
Protein context (NP_000372.1, residues 417-437): QYTIFTGQAN[Val427Ile]VSLCNSADSW